The following is an entry in ClinVar:

NM_001849.4(COL6A2):c.1868C>G (p.Ser623Cys)

Gene: COL6A2 (collagen type VI alpha 2 chain; plus strand). Cytogenetic location: 21q22.3.
Variant type: single nucleotide variant.
Coding change: c.1868C>G on transcript NM_001849.4 (MANE Select); coding-DNA position 1868, C replaced by G.
Protein change: p.Ser623Cys; replaces serine 623 with cysteine.
Molecular consequence: missense variant.
Genome position (GRCh38, 1-based): chr21:46,125,516, C>G. VCF-style: chr21-46125516-C-G. GRCh37 (hg19) VCF-style: chr21-47545430-C-G.
Other names: c.1868C>G, p.Ser623Cys (NM_058174.3, NM_058175.3); short protein forms S623C.
Identifiers: ClinVar variation 1176435 (VCV001176435.35), dbSNP rs2123661865, ClinGen allele CA410538546.
Genomic context (GRCh38, chr21:46,125,516, plus strand): 5'-CCCCCCCAGACTGTGAGAAGCGCTGTGGCGCCCTGGACGTGGTCTTCGTCATCGACAGCT[C>G]CGAGAGCATTGGGTACACCAACTTCACACTGGAGAAGAACTTCGTCATCAACGTGGTCAA-3'
Protein context (NP_001840.3, residues 613-633): ALDVVFVIDS[Ser623Cys]ESIGYTNFTL

ClinVar aggregate classification (germline): Uncertain significance (1 of 4 stars; one submission).

Submission:

CeGaT Center for Human Genetics Tuebingen
Classification: Uncertain significance. Last evaluated: 2022-11-01. Review status: criteria provided, single submitter. Criteria: CeGaT Center For Human Genetics Tuebingen Variant Classification Criteria Version 2. Collection method: clinical testing. Allele origin: germline. Affected: yes. Observed: 1 variant allele.
Comment: COL6A2: PM2, PP3